The following is an entry in ClinVar:

NM_000090.4(COL3A1):c.2446-15T>A

Gene: COL3A1 (collagen type III alpha 1 chain; plus strand). Cytogenetic location: 2q32.2.
Variant type: single nucleotide variant.
Coding change: c.2446-15T>A on transcript NM_000090.4 (MANE Select); 15 bases into the intron before coding-DNA position 2446, T replaced by A.
Molecular consequence: intron variant.
Genome position (GRCh38, 1-based): chr2:189,002,940, T>A. VCF-style: chr2-189002940-T-A. GRCh37 (hg19) VCF-style: chr2-189867666-T-A.
Identifiers: ClinVar variation 2850483 (VCV002850483.3), dbSNP rs1688499476, ClinGen allele CA2739277970.

ClinVar aggregate classification (germline): Uncertain significance (1 of 4 stars; one submission).

Conditions:
Ehlers-Danlos syndrome, type 4 (EDSVASC). Also called: Ehlers-Danlos syndrome vascular type; Ehlers Danlos syndrome, ecchymotic type; Ehlers Danlos syndrome, arterial type; Ehlers Danlos syndrome, Sack-Barabas type; Ehlers-Danlos Syndrome Type IV. Identifiers: Orphanet 286, MedGen C0268338, MONDO:0017314, OMIM 130050.

Submission:

Labcorp Genetics (formerly Invitae), Labcorp
Classification: Uncertain significance for Ehlers-Danlos syndrome, type 4. Last evaluated: 2023-03-28. Review status: criteria provided, single submitter. Criteria: Invitae Variant Classification Sherloc (09022015). Collection method: clinical testing. Allele origin: germline.
Comment: This variant is not present in population databases (gnomAD no frequency). This sequence change falls in intron 35 of the COL3A1 gene. It does not directly change the encoded amino acid sequence of the COL3A1 protein. This variant has been observed in individual(s) with autosomal dominant vascular Ehlers-Danlos syndrome (Invitae). In summary, the available evidence is currently insufficient to determine the role of this variant in disease. Therefore, it has been classified as a Variant of Uncertain Significance. Algorithms developed to predict the effect of sequence changes on RNA splicing suggest that this variant may disrupt the consensus splice site.